The following is an entry in ClinVar:

ClinVar aggregate classification (germline): Uncertain significance (1 of 4 stars; one submission).

Conditions:
Carnitine palmitoyl transferase 1A deficiency. Also called: Carnitine palmitoyltransferase 1A deficiency; Carnitine palmitoyltransferase type I deficiency; CPT deficiency, hepatic, type IA; CPT I DEFICIENCY; CPT DEFICIENCY, HEPATIC, TYPE I. Identifiers: Orphanet 156, MedGen C1829703, MONDO:0009705, OMIM 255120.

Submission:

Labcorp Genetics (formerly Invitae), Labcorp
Classification: Uncertain significance for Carnitine palmitoyl transferase 1A deficiency. Last evaluated: 2022-06-02. Review status: criteria provided, single submitter. Criteria: Invitae Variant Classification Sherloc (09022015). Collection method: clinical testing. Allele origin: germline.
Comment: This sequence change replaces lysine, which is basic and polar, with glutamine, which is neutral and polar, at codon 102 of the CPT1A protein (p.Lys102Gln). This variant is not present in population databases (gnomAD no frequency). This variant has not been reported in the literature in individuals affected with CPT1A-related conditions. Algorithms developed to predict the effect of missense changes on protein structure and function (SIFT, PolyPhen-2, Align-GVGD) all suggest that this variant is likely to be tolerated. In summary, the available evidence is currently insufficient to determine the role of this variant in disease. Therefore, it has been classified as a Variant of Uncertain Significance.

NM_001876.4(CPT1A):c.304A>C (p.Lys102Gln)

Gene: CPT1A (carnitine palmitoyltransferase 1A; minus strand). Cytogenetic location: 11q13.3.
Variant type: single nucleotide variant.
Coding change: c.304A>C on transcript NM_001876.4 (MANE Select); coding-DNA position 304, A replaced by C.
Protein change: p.Lys102Gln; replaces lysine 102 with glutamine.
Molecular consequence: missense variant.
Genome position (GRCh38, 1-based): chr11:68,807,616, T>G on the plus strand (A>C on the coding strand, the complement: CPT1A is on the minus strand). VCF-style: chr11-68807616-T-G. GRCh37 (hg19) VCF-style: chr11-68575084-T-G.
Other names: c.304A>C, p.Lys102Gln (NM_001031847.3); short protein forms K102Q.
Identifiers: ClinVar variation 2000492 (VCV002000492.1), dbSNP rs2495663729, ClinGen allele CA381636855.